The following is an entry in ClinVar:

ClinVar aggregate classification (germline): Likely benign (1 of 4 stars; one submission).

gnomAD v4.1: 1,446 of 1,561,952 alleles (0.093%); highest among the groups gnomAD compares: East Asian, 1.4%; 13 homozygotes.

Submission:

CeGaT Center for Human Genetics Tuebingen
Classification: Likely benign. Last evaluated: 2026-04-01. Review status: criteria provided, single submitter. Criteria: CeGaT Center For Human Genetics Tuebingen Variant Classification Criteria Version 2. Collection method: clinical testing. Allele origin: germline. Affected: yes. Observed: 3 variant alleles.
Comment: KIF26A: BP4, BP7, BS1

NM_015656.2(KIF26A):c.5238C>T (p.Phe1746=)

Gene: KIF26A (kinesin family member 26A; plus strand). Cytogenetic location: 14q32.33.
Variant type: single nucleotide variant.
Coding change: c.5238C>T on transcript NM_015656.2 (MANE Select); coding-DNA position 5238, C replaced by T.
Protein change: p.Phe1746=; no amino-acid change (phenylalanine 1746 retained).
Molecular consequence: synonymous variant.
Genome position (GRCh38, 1-based): chr14:104,178,677, C>T. VCF-style: chr14-104178677-C-T. GRCh37 (hg19) VCF-style: chr14-104645014-C-T.
Identifiers: ClinVar variation 4533578 (VCV004533578.6).
Genomic context (GRCh38, chr14:104,178,677, plus strand): 5'-CCTCCCCGGGCAGTGGGTGGACCTGCCCCCGCCCCTGGCTGGCTCCCTGAAGGAGCCGTT[C>T]GAGATCAAGGTGTACGAGATCGATGACGTGGAGCGCCTTCAGCGGCCCCGCCCCACCCCG-3'
Protein context (NP_056471.1, residues 1736-1756): PPLAGSLKEP[Phe1746=]EIKVYEIDDV